The following is an entry in ClinVar:

ClinVar aggregate classification (germline): Uncertain significance (1 of 4 stars; one submission).

Submission:

Labcorp Genetics (formerly Invitae), Labcorp
Classification: Uncertain significance. Last evaluated: 2021-04-17. Review status: criteria provided, single submitter. Criteria: Invitae Variant Classification Sherloc (09022015). Collection method: clinical testing. Allele origin: germline.
Comment: In summary, the available evidence is currently insufficient to determine the role of this variant in disease. Therefore, it has been classified as a Variant of Uncertain Significance. This variant is not present in population databases (ExAC no frequency). Nucleotide substitutions within the consensus splice site are a relatively common cause of aberrant splicing (PMID: 17576681, 9536098). Algorithms developed to predict the effect of sequence changes on RNA splicing suggest that this variant is not likely to affect RNA splicing, but this prediction has not been confirmed by published transcriptional studies. This variant has not been reported in the literature in individuals with LHFPL5-related conditions. This sequence change falls in intron 2 of the LHFPL5 gene. It does not directly change the encoded amino acid sequence of the LHFPL5 protein. It affects a nucleotide within the consensus splice site of the intron.

Literature cited by the submitters: PubMed 17576681; PubMed 9536098.

NM_182548.4(LHFPL5):c.649+6C>A

Gene: LHFPL5 (LHFPL tetraspan subfamily member 5; plus strand). Cytogenetic location: 6p21.31.
Variant type: single nucleotide variant.
Coding change: c.649+6C>A on transcript NM_182548.4 (MANE Select); 6 bases into the intron after coding-DNA position 649, C replaced by A.
Molecular consequence: intron variant.
Genome position (GRCh38, 1-based): chr6:35,814,788, C>A. VCF-style: chr6-35814788-C-A. GRCh37 (hg19) VCF-style: chr6-35782565-C-A.
Identifiers: ClinVar variation 1466193 (VCV001466193.6), dbSNP rs2151070865, ClinGen allele CA2573140334.